The following is an entry in ClinVar:

ClinVar aggregate classification (germline): Pathogenic/Likely pathogenic. Review status: criteria provided, multiple submitters, no conflicts (2 of 4 stars). 2 submissions from 2 submitters: Pathogenic (1); Likely pathogenic (1). Last evaluated 2025-07-09.

Conditions:
Sucrase-isomaltase deficiency (CSID). Also called: Congenital sucrose isomaltose malabsorption; Sucrose isomaltose enzyme deficiency; SI DEFICIENCY; Deficiency of isomaltase. Identifiers: Orphanet 35122, MedGen C1283620, MONDO:0009114, OMIM 222900.

Submissions (2):

Labcorp Genetics (formerly Invitae), Labcorp
Classification: Pathogenic. Last evaluated: 2025-07-09. Review status: criteria provided, single submitter. Criteria: Invitae Variant Classification Sherloc (09022015). Collection method: clinical testing. Allele origin: germline.
Comment: This sequence change creates a premature translational stop signal (p.Gln677Alafs*7) in the SI gene. It is expected to result in an absent or disrupted protein product. Loss-of-function variants in SI are known to be pathogenic (PMID: 16329100, 23103650, 25452324). This variant is present in population databases (rs751534972, gnomAD 0.005%). This variant has not been reported in the literature in individuals affected with SI-related conditions. ClinVar contains an entry for this variant (Variation ID: 1987170). For these reasons, this variant has been classified as Pathogenic.

Fulgent Genetics
Classification: Likely pathogenic for Sucrase-isomaltase deficiency. Last evaluated: 2024-04-26. Review status: criteria provided, single submitter. Criteria: ACMG Guidelines, 2015. Collection method: clinical testing. Allele origin: germline.

Literature cited by the submitters: PubMed 16329100 (cited by Labcorp Genetics (formerly Invitae), Labcorp); PubMed 23103650 (cited by Labcorp Genetics (formerly Invitae), Labcorp); PubMed 25452324 (cited by Labcorp Genetics (formerly Invitae), Labcorp).

NM_001041.4(SI):c.2028dup (p.Gln677fs)

Gene: SI (sucrase-isomaltase; minus strand). Cytogenetic location: 3q26.1.
Variant type: Duplication.
Coding change: c.2028dup on transcript NM_001041.4 (MANE Select); coding-DNA position 2028, one base duplicated (G; older notation c.2028dupG).
Protein change: p.Gln677fs; shifts the reading frame from glutamine 677.
Molecular consequence: frameshift variant.
Genome position (GRCh38, 1-based): chr3:165,041,071, C duplicated on the plus strand (G on the coding strand, the reverse complement: SI is on the minus strand); the first of 3 consecutive C bases (chr3:165,041,071-165,041,073); duplicating any one gives the same sequence. VCF-style (leftmost placement, unchanged base first): chr3-165041070-G-GC. GRCh37 (hg19) VCF-style: chr3-164758858-G-GC.
Other names: short protein forms Q677fs.
Identifiers: ClinVar variation 1987170 (VCV001987170.5), dbSNP rs751534972, ClinGen allele CA2690855.
Genomic context (GRCh38, chr3:165,041,070, plus strand): 5'-GTAATAAGGTGTAGCGAATAGTTAAATACTGCCTTGATGATTTAACCAAAAGTGAATTCT[G>GC]CCCAAAAAATGCAGGATCCTGATGCTGTGAGATAGAAAGAGAAATTAAAATAAGAAAGCT-3'